The following is an entry in ClinVar:

NM_000722.4(CACNA2D1):c.526+85G>A

Gene: CACNA2D1 (calcium voltage-gated channel auxiliary subunit alpha2delta 1; minus strand). Cytogenetic location: 7q21.11.
Variant type: single nucleotide variant.
Coding change: c.526+85G>A on transcript NM_000722.4 (MANE Select); 85 bases into the intron after coding-DNA position 526, G replaced by A.
Molecular consequence: intron variant.
Genome position (GRCh38, 1-based): chr7:82,116,959, C>T on the plus strand (G>A on the coding strand, the complement: CACNA2D1 is on the minus strand). VCF-style: chr7-82116959-C-T. GRCh37 (hg19) VCF-style: chr7-81746275-C-T.
Other names: c.526+85G>A (NM_001366867.1, NM_001302890.2).
Identifiers: ClinVar variation 678134 (VCV000678134.2), dbSNP rs147099559, ClinGen allele CA161612057.

ClinVar aggregate classification (germline): Likely benign. Review status: criteria provided, multiple submitters, no conflicts (2 of 4 stars). 2 submissions from 2 submitters: Likely benign (2). Last evaluated 2018-06-19.

Allele frequency attached by ClinVar (database versions not stated): 1000 Genomes Project 30x 0.01530; 1000 Genomes Project 0.01597; gnomAD 0.01967 and 0.02074; TOPMed 0.02016; gnomAD exomes 0.03045.
gnomAD v4.1: 41,367 of 1,407,010 alleles (2.9%); highest among the groups gnomAD compares: South Asian, 5.7%; 828 homozygotes.

Submissions (2):

GeneDx
Classification: Likely benign. Last evaluated: 2018-06-19. Review status: criteria provided, single submitter. Criteria: GeneDx Variant Classification (06012015). Collection method: clinical testing. Allele origin: germline. Affected: yes.
Comment: This variant is considered likely benign or benign based on one or more of the following criteria: it is a conservative change, it occurs at a poorly conserved position in the protein, it is predicted to be benign by multiple in silico algorithms, and/or has population frequency not consistent with disease.

Breakthrough Genomics
Classification: Likely benign. Review status: criteria provided, single submitter. Criteria: ACMG Guidelines, 2015. Collection method: not provided. Allele origin: germline. Inheritance: Autosomal recessive inheritance. Affected: yes.